The following is an entry in ClinVar:

ClinVar aggregate classification (germline): Pathogenic (1 of 4 stars; one submission).

Submission:

Labcorp Genetics (formerly Invitae), Labcorp
Classification: Pathogenic. Last evaluated: 2025-01-30. Review status: criteria provided, single submitter. Criteria: Invitae Variant Classification Sherloc (09022015). Collection method: clinical testing. Allele origin: germline.
Comment: This sequence change creates a premature translational stop signal (p.Arg1228Alafs*33) in the ADAMTS13 gene. It is expected to result in an absent or disrupted protein product. Loss-of-function variants in ADAMTS13 are known to be pathogenic (PMID: 11586351, 12753286, 21781265). This variant is not present in population databases (gnomAD no frequency). This premature translational stop signal has been observed in individual(s) with thrombotic thrombocytopenic purpura (PMID: 30792199). For these reasons, this variant has been classified as Pathogenic.

Literature cited by the submitters: PubMed 11586351; PubMed 12753286; PubMed 21781265; PubMed 30792199.

NM_139027.6(ADAMTS13):c.3514del (p.Arg1172fs)

Gene: ADAMTS13 (ADAM metallopeptidase with thrombospondin type 1 motif 13; plus strand). Cytogenetic location: 9q34.2.
Variant type: Deletion.
Coding change: c.3514del on transcript NM_139027.6 (MANE Select); coding-DNA position 3514, one base deleted (C; older notation c.3514delC).
Protein change: p.Arg1172fs; shifts the reading frame from arginine 1172.
Molecular consequence: frameshift variant. On other transcripts: non-coding transcript variant (1).
Genome position (GRCh38, 1-based): chr9:133,456,182, C deleted; the last of 2 consecutive C bases (chr9:133,456,181-133,456,182); deleting either gives the same sequence. VCF-style (leftmost placement, unchanged base first): chr9-133456180-TC-T. GRCh37 (hg19) VCF-style: chr9-136321302-TC-T.
Other names: c.3682del, p.Arg1228fs (NM_139025.5); c.3421del, p.Arg1141fs (NM_139026.6); short protein forms R1141fs, R1172fs, R1228fs.
Identifiers: ClinVar variation 3609672 (VCV003609672.2).